The following is an entry in ClinVar:

NM_001395002.1(MAP4K4):c.3170A>T (p.Gln1057Leu)

Gene: MAP4K4 (mitogen-activated protein kinase kinase kinase kinase 4; plus strand). Cytogenetic location: 2q11.2.
Variant type: single nucleotide variant.
Coding change: c.3170A>T on transcript NM_001395002.1 (MANE Select); coding-DNA position 3170, A replaced by T.
Protein change: p.Gln1057Leu; replaces glutamine 1057 with leucine.
Molecular consequence: missense variant. On other transcripts: non-coding transcript variant (4).
Genome position (GRCh38, 1-based): chr2:101,874,181, A>T. VCF-style: chr2-101874181-A-T. GRCh37 (hg19) VCF-style: chr2-102490643-A-T.
Other names: c.2735A>T, p.Gln912Leu (NM_001242559.2); c.2723A>T, p.Gln908Leu (NM_001242560.2); c.2813A>T, p.Gln938Leu (NM_001384476.1); c.3002A>T, p.Gln1001Leu (NM_001384477.1); c.2492A>T, p.Gln831Leu (NM_001384478.1); c.2930A>T, p.Gln977Leu (NM_001384481.1); c.2483A>T, p.Gln828Leu (NM_001384482.1); c.2765A>T, p.Gln922Leu (NM_001384483.1); and 39 more; short protein forms Q1001L, Q1003L, Q1014L, Q1025L, Q1054L, Q1057L, Q822L, Q828L.
Identifiers: ClinVar variation 4975724 (VCV004975724.1).

ClinVar aggregate classification (germline): Uncertain significance (1 of 4 stars; one submission).

Submission:

GeneDx
Classification: Uncertain significance. Last evaluated: 2026-01-26. Review status: criteria provided, single submitter. Criteria: GeneDx Variant Classification Process June 2021. Collection method: clinical testing. Allele origin: germline.
Comment: Not observed at significant frequency in large population cohorts (gnomAD); In silico analysis supports that this missense variant has a deleterious effect on protein structure/function; Has not been previously published as pathogenic or benign to our knowledge